The following is an entry in ClinVar:

ClinVar aggregate classification (germline): Likely benign (1 of 4 stars; one submission).

gnomAD v4.1: 1 of 1,610,772 alleles (0.000062%); highest among the groups gnomAD compares: Non-Finnish European, 0.000085%; no homozygotes.

Submission:

CeGaT Center for Human Genetics Tuebingen
Classification: Likely benign. Last evaluated: 2026-01-01. Review status: criteria provided, single submitter. Criteria: CeGaT Center For Human Genetics Tuebingen Variant Classification Criteria Version 2. Collection method: clinical testing. Allele origin: germline. Affected: yes. Observed: 1 variant allele.
Comment: CENPF: BP4, BP7

NM_016343.4(CENPF):c.3732T>C (p.Asp1244=)

Gene: CENPF (centromere protein F; plus strand). Cytogenetic location: 1q41.
Variant type: single nucleotide variant.
Coding change: c.3732T>C on transcript NM_016343.4 (MANE Select); coding-DNA position 3732, T replaced by C.
Protein change: p.Asp1244=; no amino-acid change (aspartic acid 1244 retained).
Molecular consequence: synonymous variant.
Genome position (GRCh38, 1-based): chr1:214,642,070, T>C. VCF-style: chr1-214642070-T-C. GRCh37 (hg19) VCF-style: chr1-214815413-T-C.
Identifiers: ClinVar variation 4823048 (VCV004823048.4).